The following is an entry in ClinVar:

ClinVar aggregate classification (germline): Uncertain significance (1 of 4 stars; one submission).

Allele frequency attached by ClinVar (database versions not stated): gnomAD exomes below 0.00001.

Submission:

Labcorp Genetics (formerly Invitae), Labcorp
Classification: Uncertain significance. Last evaluated: 2024-02-23. Review status: criteria provided, single submitter. Criteria: Invitae Variant Classification Sherloc (09022015). Collection method: clinical testing. Allele origin: germline.
Comment: This sequence change replaces leucine, which is neutral and non-polar, with proline, which is neutral and non-polar, at codon 1336 of the SAMD9 protein (p.Leu1336Pro). This variant is not present in population databases (gnomAD no frequency). This variant has not been reported in the literature in individuals affected with SAMD9-related conditions. Advanced modeling of protein sequence and biophysical properties (such as structural, functional, and spatial information, amino acid conservation, physicochemical variation, residue mobility, and thermodynamic stability) has been performed at Invitae for this missense variant, however the output from this modeling did not meet the statistical confidence thresholds required to predict the impact of this variant on SAMD9 protein function. In summary, the available evidence is currently insufficient to determine the role of this variant in disease. Therefore, it has been classified as a Variant of Uncertain Significance.

NM_017654.4(SAMD9):c.4007T>C (p.Leu1336Pro)

Gene: SAMD9 (sterile alpha motif domain containing 9; minus strand). Cytogenetic location: 7q21.2.
Variant type: single nucleotide variant.
Coding change: c.4007T>C on transcript NM_017654.4 (MANE Select); coding-DNA position 4007, T replaced by C.
Protein change: p.Leu1336Pro; replaces leucine 1336 with proline.
Molecular consequence: missense variant.
Genome position (GRCh38, 1-based): chr7:93,102,091, A>G on the plus strand (T>C on the coding strand, the complement: SAMD9 is on the minus strand). VCF-style: chr7-93102091-A-G. GRCh37 (hg19) VCF-style: chr7-92731404-A-G.
Other names: c.4007T>C, p.Leu1336Pro (NM_001193307.2); short protein forms L1336P.
Identifiers: ClinVar variation 2999113 (VCV002999113.3), dbSNP rs1339027871, ClinGen allele CA368181206.